The following is an entry in ClinVar:

ClinVar aggregate classification (germline): Uncertain significance (1 of 4 stars; one submission).

Conditions:
Gamma-aminobutyric acid transaminase deficiency (GABATD). Also called: GABA aminotransaminase deficiency; GABA transaminase deficiency; Gamma aminobutyrate transaminase deficiency; 4 alpha aminobutyrate transaminase deficiency. Identifiers: Orphanet 2066, MedGen C0342708, MONDO:0013166, OMIM 613163.

Submission:

Labcorp Genetics (formerly Invitae), Labcorp
Classification: Uncertain significance for Gamma-aminobutyric acid transaminase deficiency. Last evaluated: 2022-07-30. Review status: criteria provided, single submitter. Criteria: Invitae Variant Classification Sherloc (09022015). Collection method: clinical testing. Allele origin: germline.
Comment: ClinVar contains an entry for this variant (Variation ID: 1042976). In summary, the available evidence is currently insufficient to determine the role of this variant in disease. Therefore, it has been classified as a Variant of Uncertain Significance. Experimental studies and prediction algorithms are not available or were not evaluated, and the functional significance of this variant is currently unknown. This variant has not been reported in the literature in individuals affected with ABAT-related conditions. This variant is not present in population databases (gnomAD no frequency). This variant, c.866_874dup, results in the insertion of 3 amino acid(s) of the ABAT protein (p.Gly289_Ile291dup), but otherwise preserves the integrity of the reading frame.

NM_020686.6(ABAT):c.866_874dup (p.Gly289_Ile291dup)

Gene: ABAT (4-aminobutyrate aminotransferase; plus strand). Cytogenetic location: 16p13.2.
Variant type: Duplication.
Coding change: c.866_874dup on transcript NM_020686.6 (MANE Select); coding-DNA positions 866 to 874, 9 bases duplicated (GGATCATCG; older notation c.866_874dupGGATCATCG).
Protein change: p.Gly289_Ile291dup.
Molecular consequence: inframe insertion.
Genome position (GRCh38, 1-based): chr16:8,772,829-8,772,837, GGATCATCG duplicated; duplicating any 9 consecutive bases within chr16:8,772,827-8,772,837 gives the same sequence; the c. name uses the placement nearest the transcript's 3' end. VCF-style (leftmost placement, unchanged base first): chr16-8772826-C-CCGGGATCAT. GRCh37 (hg19) VCF-style: chr16-8866683-C-CCGGGATCAT.
Other names: c.866_874dup, p.Gly289_Ile291dup (NM_000663.5, NM_001127448.2, NM_001386600.1 and 6 more transcripts); c.827_835dup, p.Gly276_Ile278dup (NM_001386605.1); c.803_811dup, p.Gly268_Ile270dup (NM_001386606.1, NM_001386607.1); c.773_781dup, p.Gly258_Ile260dup (NM_001386608.1); c.731_739dup, p.Gly244_Ile246dup (NM_001386610.1, NM_001386611.1); c.668_676dup, p.Gly223_Ile225dup (NM_001386612.1, NM_001386613.1); c.620_628dup, p.Gly207_Ile209dup (NM_001386614.1); c.962_970dup, p.Gly321_Ile323dup (NM_001386615.1).
Identifiers: ClinVar variation 1042976 (VCV001042976.11), dbSNP rs2060152853, ClinGen allele CA2206114477.